The following is an entry in ClinVar:

NM_014714.4(IFT140):c.2123A>G (p.His708Arg)

Gene: IFT140 (intraflagellar transport 140; minus strand). Cytogenetic location: 16p13.3.
Variant type: single nucleotide variant.
Coding change: c.2123A>G on transcript NM_014714.4 (MANE Select); coding-DNA position 2123, A replaced by G.
Protein change: p.His708Arg; replaces histidine 708 with arginine.
Molecular consequence: missense variant.
Genome position (GRCh38, 1-based): chr16:1,562,061, T>C on the plus strand (A>G on the coding strand, the complement: IFT140 is on the minus strand). VCF-style: chr16-1562061-T-C. GRCh37 (hg19) VCF-style: chr16-1612062-T-C.
Other names: short protein forms H708R.
Identifiers: ClinVar variation 1395204 (VCV001395204.4), dbSNP rs2033440134, ClinGen allele CA394203665.

ClinVar aggregate classification (germline): Uncertain significance. Review status: criteria provided, multiple submitters, no conflicts (2 of 4 stars). 2 submissions from 2 submitters: Uncertain significance (2). Last evaluated 2021-11-05.

Conditions:
Saldino-Mainzer syndrome (SRTD9). Also called: Renal dysplasia, retinal pigmentary dystrophy, cerebellar ataxia and skeletal dysplasia; CONORENAL SYNDROME; SHORT-RIB THORACIC DYSPLASIA 9 WITHOUT POLYDACTYLY; short-rib thoracic dysplasia 9 with or without polydactyly. Identifiers: Orphanet 140969, MedGen C1849437, MONDO:0009964, OMIM 266920.

Allele frequency attached by ClinVar (database versions not stated): TOPMed below 0.00001.

Submissions (2):

Labcorp Genetics (formerly Invitae), Labcorp
Classification: Uncertain significance for Saldino-Mainzer syndrome. Last evaluated: 2021-11-05. Review status: criteria provided, single submitter. Criteria: Invitae Variant Classification Sherloc (09022015). Collection method: clinical testing. Allele origin: germline.
Comment: This sequence change replaces histidine, which is basic and polar, with arginine, which is basic and polar, at codon 708 of the IFT140 protein (p.His708Arg). This variant is not present in population databases (gnomAD no frequency). This variant has not been reported in the literature in individuals affected with IFT140-related conditions. Algorithms developed to predict the effect of missense changes on protein structure and function (SIFT, PolyPhen-2, Align-GVGD) all suggest that this variant is likely to be tolerated. Algorithms developed to predict the effect of sequence changes on RNA splicing suggest that this variant may create or strengthen a splice site. In summary, the available evidence is currently insufficient to determine the role of this variant in disease. Therefore, it has been classified as a Variant of Uncertain Significance.

Blueprint Genetics
Classification: Uncertain significance. Last evaluated: 2020-05-15. Review status: criteria provided, single submitter. Criteria: ACMG Guidelines, 2015. Collection method: clinical testing. Allele origin: germline.